The following is an entry in ClinVar:

ClinVar aggregate classification (germline): Pathogenic (1 of 4 stars; one submission).

Conditions:
Fetal anomalies with a likely genetic cause.

Submission:

Genetics Laboratory, Great Ormond Street Hospital NHS Foundation Trust, North Thames Genomic Laboratory Hub
Classification: Pathogenic for Fetal anomalies with a likely genetic cause. Last evaluated: 2026-06-28. Review status: criteria provided, single submitter. Criteria: ACGS Best Practice Guidelines for Variant Classification in Rare Disease 2024 v1.2. Collection method: clinical testing. Allele origin: germline. Affected: yes.
Comment: PM2_moderate, PVS1_very-strong

NM_018136.5(ASPM):c.70_73del (p.Leu24fs)

Gene: ASPM (assembly factor for spindle microtubules; minus strand). Cytogenetic location: 1q31.3.
Variant type: Deletion.
Coding change: c.70_73del on transcript NM_018136.5 (MANE Select); coding-DNA positions 70 to 73, 4 bases deleted (CTGC; older notation c.70_73delCTGC).
Protein change: p.Leu24fs; shifts the reading frame from leucine 24.
Molecular consequence: frameshift variant.
Genome position (GRCh38, 1-based): chr1:197,146,365-197,146,368, GCAG deleted on the plus strand (CTGC on the coding strand, the reverse complement: ASPM is on the minus strand). VCF-style (leftmost placement, unchanged base first): chr1-197146364-CGCAG-C. GRCh37 (hg19) VCF-style: chr1-197115494-CGCAG-C.
Other names: c.70_73del, p.Leu24fs (NM_001206846.2); short protein forms L24fs.
Identifiers: ClinVar variation 4886948 (VCV004886948.1).
Genomic context (GRCh38, chr1:197,146,364, plus strand): 5'-CAGAAGTGGCTGAGAGACAGGACCGGCGGGGAAGACGCCTCCTCCTCGGCCGCGGGGCCC[CGCAG>C]CCCCGCGGGCGGCCTCCGCTCGGTCGGGCTCACTTCCCAGCAGCCTCGCCCCACTCGCCG-3'